The following is an entry in ClinVar:

NM_000465.4(BARD1):c.2332T>C (p.Ter778Arg)

Gene: BARD1 (BRCA1 associated RING domain 1; minus strand). Cytogenetic location: 2q35.
Variant type: single nucleotide variant.
Coding change: c.2332T>C on transcript NM_000465.4 (MANE Select); coding-DNA position 2332, T replaced by C.
Protein change: p.Ter778Arg.
Molecular consequence: stop lost. On other transcripts: non-coding transcript variant (3).
Genome position (GRCh38, 1-based): chr2:214,728,678, A>G on the plus strand (T>C on the coding strand, the complement: BARD1 is on the minus strand). VCF-style: chr2-214728678-A-G. GRCh37 (hg19) VCF-style: chr2-215593402-A-G.
Other names: *327R; *759R; *265R; *308R; c.2275T>C, p.Ter759Arg (NM_001282543.2); c.979T>C, p.Ter327Arg (NM_001282545.2); c.922T>C, p.Ter308Arg (NM_001282548.2); c.793T>C, p.Ter265Arg (NM_001282549.2).
Identifiers: ClinVar variation 186958 (VCV000186958.5), dbSNP rs786203353, ClinGen allele CA196342.

ClinVar aggregate classification (germline): Uncertain significance (1 of 4 stars; one submission).

Conditions:
Hereditary cancer-predisposing syndrome. Also called: Neoplastic Syndromes, Hereditary; Tumor predisposition; Hereditary Cancer Syndrome; Hereditary neoplastic syndrome. Identifiers: Orphanet 140162, MedGen C0027672, MeSH D009386, MONDO:0015356.

Submission:

Ambry Genetics
Classification: Uncertain significance for Hereditary cancer-predisposing syndrome. Last evaluated: 2014-10-27. Review status: criteria provided, single submitter. Criteria: Ambry Variant Classification Scheme 2023. Collection method: clinical testing. Allele origin: germline.
Comment: The p.*778Rext*10 variant (also known as c.2332T>C) located in coding exon 11 of the BARD1 gene, results from a T to C substitution at nucleotide position 2332. The stop codon at position 778 is replaced by arginine, resulting in the elongation of the BARD1 protein by 10 amino acids. The exact functional impact of these inserted amino acids is unknown at this time. This variant was not reported in population based cohorts in the following databases: Database of Single Nucleotide Polymorphisms (dbSNP), NHLBI Exome Sequencing Project (ESP), and 1000 Genomes Project. In the ESP, this variant was not observed in 6503 samples (13006 alleles) with coverage at this position. To date, this alteration has been detected with an allele frequency of approximately 0.005% (greater than 22000 alleles tested) in our clinical cohort. Since supporting evidence is limited at this time, the clinical significance of p.*778Rext*10 remains unclear.